The following is an entry in ClinVar:

NM_207037.2(TCF12):c.529C>G (p.Pro177Ala)

Gene: TCF12 (transcription factor 12; plus strand). Cytogenetic location: 15q21.3.
Variant type: single nucleotide variant.
Coding change: c.529C>G on transcript NM_207037.2 (MANE Select); coding-DNA position 529, C replaced by G.
Protein change: p.Pro177Ala; replaces proline 177 with alanine.
Molecular consequence: missense variant. On other transcripts: 5 prime UTR variant (1).
Genome position (GRCh38, 1-based): chr15:57,197,775, C>G. VCF-style: chr15-57197775-C-G. GRCh37 (hg19) VCF-style: chr15-57489973-C-G.
Other names: c.529C>G, p.Pro177Ala (NM_001322151.2, NM_001322152.2, NM_001322157.3 and 7 more transcripts); c.-129C>G (NM_001322154.2); c.355C>G, p.Pro119Ala (NM_001322156.2, NM_001322158.2); c.565C>G, p.Pro189Ala (NM_001322164.2); short protein forms P119A, P177A, P189A.
Identifiers: ClinVar variation 4074590 (VCV004074590.1).

ClinVar aggregate classification (germline): Uncertain significance (1 of 4 stars; one submission).

Submission:

GeneDx
Classification: Uncertain significance. Last evaluated: 2025-02-07. Review status: criteria provided, single submitter. Criteria: GeneDx Variant Classification Process June 2021. Collection method: clinical testing. Allele origin: germline. Affected: yes.
Comment: Not observed at significant frequency in large population cohorts (gnomAD); In silico analysis indicates that this missense variant does not alter protein structure/function; Has not been previously published as pathogenic or benign to our knowledge